The following is an entry in ClinVar:

ClinVar aggregate classification (germline): Uncertain significance (1 of 4 stars; one submission).

Conditions:
Charcot-Marie-Tooth disease dominant intermediate B (CMTDIB). Also called: CHARCOT-MARIE-TOOTH NEUROPATHY, DOMINANT INTERMEDIATE B; Charcot-Marie-Tooth disease dominant intermediate 1; CMT DI1; Charcot-Marie-Tooth disease dominant intermediate I. Identifiers: Orphanet 100044, Orphanet 228179, MedGen C1847902, MONDO:0011674, OMIM 606482.

Allele frequency attached by ClinVar (database versions not stated): TOPMed below 0.00001.

Submission:

Labcorp Genetics (formerly Invitae), Labcorp
Classification: Uncertain significance for Charcot-Marie-Tooth disease dominant intermediate B. Last evaluated: 2022-10-07. Review status: criteria provided, single submitter. Criteria: Invitae Variant Classification Sherloc (09022015). Collection method: clinical testing. Allele origin: germline.
Comment: In summary, the available evidence is currently insufficient to determine the role of this variant in disease. Therefore, it has been classified as a Variant of Uncertain Significance. Algorithms developed to predict the effect of missense changes on protein structure and function (SIFT, PolyPhen-2, Align-GVGD) all suggest that this variant is likely to be disruptive. This variant has not been reported in the literature in individuals affected with DNM2-related conditions. This variant is not present in population databases (gnomAD no frequency). This sequence change replaces isoleucine, which is neutral and non-polar, with valine, which is neutral and non-polar, at codon 63 of the DNM2 protein (p.Ile63Val).

NM_001005361.3(DNM2):c.187A>G (p.Ile63Val)

Gene: DNM2 (dynamin 2; plus strand). Cytogenetic location: 19p13.2.
Variant type: single nucleotide variant.
Coding change: c.187A>G on transcript NM_001005361.3 (MANE Select); coding-DNA position 187, A replaced by G.
Protein change: p.Ile63Val; replaces isoleucine 63 with valine.
Molecular consequence: missense variant.
Genome position (GRCh38, 1-based): chr19:10,759,763, A>G. VCF-style: chr19-10759763-A-G. GRCh37 (hg19) VCF-style: chr19-10870439-A-G.
Other names: c.187A>G, p.Ile63Val (NM_001005360.3, NM_001005362.3, NM_001190716.2 and 1 more transcripts); short protein forms I63V.
Identifiers: ClinVar variation 1928617 (VCV001928617.5), dbSNP rs938075320, ClinGen allele CA305257863.